The following is an entry in ClinVar:

NM_001378452.1(ITPR1):c.4333G>A (p.Val1445Met)

Gene: ITPR1 (inositol 1,4,5-trisphosphate receptor type 1; plus strand). Cytogenetic location: 3p26.1.
Variant type: single nucleotide variant.
Coding change: c.4333G>A on transcript NM_001378452.1 (MANE Select); coding-DNA position 4333, G replaced by A.
Protein change: p.Val1445Met; replaces valine 1445 with methionine.
Molecular consequence: missense variant.
Genome position (GRCh38, 1-based): chr3:4,697,198, G>A. VCF-style: chr3-4697198-G-A. GRCh37 (hg19) VCF-style: chr3-4738882-G-A.
Other names: c.4288G>A (NM_001168272.1); c.4306G>A, p.Val1436Met (NM_001099952.4); c.4288G>A, p.Val1430Met (NM_001168272.2); c.4261G>A, p.Val1421Met (NM_002222.7); short protein forms V1421M, V1430M, V1436M, V1445M.
Identifiers: ClinVar variation 585154 (VCV000585154.5), dbSNP rs1559718601, ClinGen allele CA351632360.

ClinVar aggregate classification (germline): Likely pathogenic. Review status: criteria provided, multiple submitters, no conflicts (2 of 4 stars). 2 submissions from 2 submitters: Likely pathogenic (2). Last evaluated 2024-02-15.

Conditions:
ITPR1-related disorders.
Spinocerebellar ataxia type 15/16 (SCA15). Also called: Spinocerebellar Ataxia Type 15. Identifiers: Orphanet 98769, MedGen C1847725, MONDO:0011694, OMIM 606658.
Gillespie syndrome (GLSP). Also called: Aniridia, cerebellar ataxia, and mental deficiency; Aniridia-cerebellar ataxia-intellectual disability syndrome. Identifiers: Orphanet 1065, MedGen C0431401, MONDO:0008795, OMIM 206700.
Spinocerebellar ataxia type 29 (SCA29). Also called: CEREBELLAR ATAXIA, CONGENITAL NONPROGRESSIVE, AUTOSOMAL DOMINANT; Spinocerebellar ataxia 29, congenital nonprogressive. Identifiers: Orphanet 208513, MedGen C1861732, MONDO:0007298, OMIM 117360.

Submissions (2):

Rady Children's Institute for Genomic Medicine, Rady Children's Hospital San Diego
Classification: Likely pathogenic for ITPR1-related disorders. Last evaluated: 2024-02-15. Review status: criteria provided, single submitter. Criteria: ACMG Guidelines, 2015. Collection method: clinical testing. Allele origin: germline. Affected: yes.
Comment: The ITPR1 gene is highly constrained (Z-score= 6.2 and pLI = 1), which suggests it is intolerant to variation. The c.4288G>A (p.Val1430Met) variant affects a highly conserved amino acid and is predicted by multiple in silico tools to have a deleterious effect on protein function. This variant has not been previously reported or functionally characterized in the literature to our knowledge. The c.4288G>A (p.Val1430Met) variant is absent from the gnomAD population database and thus is presumed to be rare. Analysis of the parental samples was negative for the variant, indicating this variant likely occurred as a de novo event. Based on the available evidence, c.4288G>A (p.Val1430Met) is classified as Likely Pathogenic.

Institute of Human Genetics, University of Goettingen
Classification: Likely pathogenic for Spinocerebellar ataxia type 29. Last evaluated: 2022-07-26. Review status: criteria provided, single submitter. Criteria: ACMG Guidelines, 2015. Collection method: clinical testing. Allele origin: de novo. Inheritance: Sporadic. Affected: yes. Observed: 1 heterozygote.
Comment: The variant c.4261G>A (p.(Val1421Met)) in exon 33 of the ITPR1-gene is not found in the gnomAD database, it affects a highly conserved nucleotide, a highly conserved amino acid and there is a small physicochemical difference between Val and Met. This variant has a pathogenic computational verdict based on in silico predictions algorithms. ACMG criteria used for classification: PM2, PM6, PP2, BP4.